The following is an entry in ClinVar:

NM_006506.5(RASA2):c.1546G>A (p.Ala516Thr)

Gene: RASA2 (RAS p21 protein activator 2; plus strand). Cytogenetic location: 3q23.
Variant type: single nucleotide variant.
Coding change: c.1546G>A on transcript NM_006506.5 (MANE Select); coding-DNA position 1546, G replaced by A.
Protein change: p.Ala516Thr; replaces alanine 516 with threonine.
Molecular consequence: missense variant.
Genome position (GRCh38, 1-based): chr3:141,577,062, G>A. VCF-style: chr3-141577062-G-A. GRCh37 (hg19) VCF-style: chr3-141295904-G-A.
Other names: c.1546G>A, p.Ala516Thr (NM_001303245.3, NM_001303246.3); short protein forms A516T.
Identifiers: ClinVar variation 3943001 (VCV003943001.1).

ClinVar aggregate classification (germline): Uncertain significance (1 of 4 stars; one submission).

Submission:

Ambry Genetics
Classification: Uncertain significance. Last evaluated: 2025-04-30. Review status: criteria provided, single submitter. Criteria: Ambry Variant Classification Scheme 2023. Collection method: clinical testing. Allele origin: germline.
Comment: The p.A516T variant (also known as c.1546G>A), located in coding exon 15 of the RASA2 gene, results from a G to A substitution at nucleotide position 1546. The alanine at codon 516 is replaced by threonine, an amino acid with similar properties. This amino acid position is conserved. In addition, this alteration is predicted to be deleterious by in silico analysis. Based on the available evidence, the clinical significance of this variant remains unclear.